The following is an entry in ClinVar:

NM_001478.5(B4GALNT1):c.380C>A (p.Ser127Ter)

Gene: B4GALNT1 (beta-1,4-N-acetyl-galactosaminyltransferase 1; minus strand). Cytogenetic location: 12q13.3.
Variant type: single nucleotide variant.
Coding change: c.380C>A on transcript NM_001478.5 (MANE Select); coding-DNA position 380, C replaced by A.
Protein change: p.Ser127Ter; replaces serine 127 with a stop codon.
Molecular consequence: nonsense. On other transcripts: 5 prime UTR variant (4), intron variant (2).
Genome position (GRCh38, 1-based): chr12:57,631,203, G>T on the plus strand (C>A on the coding strand, the complement: B4GALNT1 is on the minus strand). VCF-style: chr12-57631203-G-T. GRCh37 (hg19) VCF-style: chr12-58024986-G-T.
Other names: c.380C>A, p.Ser127Ter (NM_001276469.2, NM_001413967.1, NM_001413968.1 and 9 more transcripts); c.-608C>A (NM_001413981.1, NM_001413982.1, NM_001413983.1 and 1 more transcripts); c.219-117C>A (NM_001413978.1, NM_001276468.2); short protein forms S127*.
Identifiers: ClinVar variation 3683789 (VCV003683789.2).

ClinVar aggregate classification (germline): Pathogenic (1 of 4 stars; one submission).

Conditions:
Spastic paraplegia. Identifiers: MedGen C0037772, HP:0001258.

gnomAD v4.1: 1 of 1,614,126 alleles (0.000062%); no homozygotes.

Submission:

Labcorp Genetics (formerly Invitae), Labcorp
Classification: Pathogenic for Spastic paraplegia. Last evaluated: 2024-02-12. Review status: criteria provided, single submitter. Criteria: Invitae Variant Classification Sherloc (09022015). Collection method: clinical testing. Allele origin: germline.
Comment: This sequence change creates a premature translational stop signal (p.Ser127*) in the B4GALNT1 gene. It is expected to result in an absent or disrupted protein product. Loss-of-function variants in B4GALNT1 are known to be pathogenic (PMID: 23746551). This variant is not present in population databases (gnomAD no frequency). This variant has not been reported in the literature in individuals affected with B4GALNT1-related conditions. Algorithms developed to predict the effect of sequence changes on RNA splicing suggest that this variant may disrupt the consensus splice site. For these reasons, this variant has been classified as Pathogenic.

Literature cited by the submitters: PubMed 23746551.